The following is an entry in ClinVar:

NM_201596.3(CACNB2):c.1267A>T (p.Met423Leu)

Gene: CACNB2 (calcium voltage-gated channel auxiliary subunit beta 2; plus strand). Cytogenetic location: 10p12.31.
Variant type: single nucleotide variant.
Coding change: c.1267A>T on transcript NM_201596.3 (MANE Select); coding-DNA position 1267, A replaced by T.
Protein change: p.Met423Leu; replaces methionine 423 with leucine.
Molecular consequence: missense variant.
Genome position (GRCh38, 1-based): chr10:18,536,161, A>T. VCF-style: chr10-18536161-A-T. GRCh37 (hg19) VCF-style: chr10-18825090-A-T.
Other names: c.1102A>T, p.Met368Leu (NM_000724.4); c.1069A>T, p.Met357Leu (NM_001167945.2); c.988A>T, p.Met330Leu (NM_001330060.2); c.1123A>T, p.Met375Leu (NM_201570.3); c.1183A>T, p.Met395Leu (NM_201571.4); c.1111A>T, p.Met371Leu (NM_201572.4); c.1105A>T, p.Met369Leu (NM_201590.3); c.1153A>T, p.Met385Leu (NM_201593.3); and 1 more; short protein forms M357L, M368L, M399L, M369L, M375L, M385L, M395L, M330L.
Identifiers: ClinVar variation 1450190 (VCV001450190.12), dbSNP rs779536902, ClinGen allele CA5429958.
Genomic context (GRCh38, chr10:18,536,161, plus strand): 5'-GTTTTACAAAGGTTAATAAAATCTCGAGGGAAATCTCAAGCTAAACACCTCAACGTCCAG[A>T]TGGTAGCAGCTGATAAACTGGCTCAGTGTCCTCCAGTAAGTTATCTCTATATACAGCATA-3'
Protein context (NP_963890.2, residues 413-433): KSQAKHLNVQ[Met423Leu]VAADKLAQCP

ClinVar aggregate classification (germline): Uncertain significance. Review status: criteria provided, multiple submitters, no conflicts (2 of 4 stars). 4 submissions from 4 submitters: Uncertain significance (4). Last evaluated 2026-01-14.

Conditions:
Cardiovascular phenotype. Identifiers: MedGen CN230736.
Brugada syndrome 4 (BRGDA4). Identifiers: Orphanet 130, MedGen C2678477, MONDO:0012743, OMIM 611876.

Allele frequency attached by ClinVar (database versions not stated): gnomAD 0.00001; gnomAD exomes 0.00001 and 0.00005; ExAC 0.00002; TOPMed 0.00005.
gnomAD v4.1: 70 of 1,584,924 alleles (0.0044%); highest among the groups gnomAD compares: Non-Finnish European, 0.006%; no homozygotes.

Submissions (4):

Labcorp Genetics (formerly Invitae), Labcorp
Classification: Uncertain significance for Brugada syndrome 4. Last evaluated: 2026-01-14. Review status: criteria provided, single submitter. Criteria: Invitae Variant Classification Sherloc (09022015). Collection method: clinical testing. Allele origin: germline.
Comment: This sequence change replaces methionine, which is neutral and non-polar, with leucine, which is neutral and non-polar, at codon 369 of the CACNB2 protein (p.Met369Leu). This variant is present in population databases (rs779536902, gnomAD 0.002%). This variant has not been reported in the literature in individuals affected with CACNB2-related conditions. ClinVar contains an entry for this variant (Variation ID: 1450190). Invitae Evidence Modeling of protein sequence and biophysical properties (such as structural, functional, and spatial information, amino acid conservation, physicochemical variation, residue mobility, and thermodynamic stability) indicates that this missense variant is not expected to disrupt CACNB2 protein function with a negative predictive value of 80%. In summary, the available evidence is currently insufficient to determine the role of this variant in disease. Therefore, it has been classified as a Variant of Uncertain Significance.

Ambry Genetics
Classification: Uncertain significance for Cardiovascular phenotype. Last evaluated: 2024-08-11. Review status: criteria provided, single submitter. Criteria: Ambry Variant Classification Scheme 2023. Collection method: clinical testing. Allele origin: germline.
Comment: The p.M369L variant (also known as c.1105A>T), located in coding exon 11 of the CACNB2 gene, results from an A to T substitution at nucleotide position 1105. The methionine at codon 369 is replaced by leucine, an amino acid with highly similar properties. This amino acid position is highly conserved in available vertebrate species. In addition, the in silico prediction for this alteration is inconclusive. Since supporting evidence is limited at this time, the clinical significance of this alteration remains unclear.

Revvity Omics, Revvity
Classification: Uncertain significance for Brugada syndrome 4. Last evaluated: 2022-06-28. Review status: criteria provided, single submitter. Criteria: ACMG Guidelines, 2015. Collection method: clinical testing. Allele origin: germline.

Fulgent Genetics
Classification: Uncertain significance for Brugada syndrome 4. Last evaluated: 2021-08-09. Review status: criteria provided, single submitter. Criteria: ACMG Guidelines, 2015. Collection method: clinical testing. Allele origin: unknown.